The following is an entry in ClinVar:

NM_000393.5(COL5A2):c.98-22_98-18del

Gene: COL5A2 (collagen type V alpha 2 chain; minus strand). Cytogenetic location: 2q32.2.
Variant type: Deletion.
Coding change: c.98-22_98-18del on transcript NM_000393.5 (MANE Select); 22 bases into the intron before coding-DNA position 98 through 18 bases into the intron before coding-DNA position 98, 5 bases deleted (CTTCT; older notation c.98-22_98-18delCTTCT).
Molecular consequence: intron variant.
Genome position (GRCh38, 1-based): chr2:189,110,467-189,110,471, AGAAG deleted on the plus strand (CTTCT on the coding strand, the reverse complement: COL5A2 is on the minus strand); deleting any 5 consecutive bases within chr2:189,110,467-189,110,473 gives the same sequence; the c. name uses the placement nearest the transcript's 3' end. VCF-style (leftmost placement, unchanged base first): chr2-189110466-AAGAAG-A. GRCh37 (hg19) VCF-style: chr2-189975192-AAGAAG-A.
Identifiers: ClinVar variation 2137346 (VCV002137346.4), dbSNP rs1193599786, ClinGen allele CA538518881.
Genomic context (GRCh38, chr2:189,110,466, plus strand): 5'-CATCTGGCCATTCTGAGTGCAGGCTATTTCTTCACCATATCCTTCTAAAATAAGAAAAGA[AAGAAG>A]AGGTTAGTAATCTGAAATTATAGAATTGAGAAAATAAAAGGTGAGCCATCTTGTGGATTC-3'

ClinVar aggregate classification (germline): Uncertain significance (1 of 4 stars; one submission).

Conditions:
Ehlers-Danlos syndrome, classic type, 1 (EDSCL1). Also called: Ehlers-Danlos Syndrome, Classic Type, COL5A1-Related; EHLERS-DANLOS SYNDROME, GRAVIS TYPE; EHLERS-DANLOS SYNDROME, SEVERE CLASSIC TYPE; Ehlers-Danlos syndrome, type 1; EDS I. Identifiers: MedGen C0268335, MONDO:0019567, OMIM 130000.

Submission:

Labcorp Genetics (formerly Invitae), Labcorp
Classification: Uncertain significance for Ehlers-Danlos syndrome, classic type, 1. Last evaluated: 2022-07-04. Review status: criteria provided, single submitter. Criteria: Invitae Variant Classification Sherloc (09022015). Collection method: clinical testing. Allele origin: germline.
Comment: In summary, the available evidence is currently insufficient to determine the role of this variant in disease. Therefore, it has been classified as a Variant of Uncertain Significance. Algorithms developed to predict the effect of sequence changes on RNA splicing suggest that this variant may create or strengthen a splice site. This variant has not been reported in the literature in individuals affected with COL5A2-related conditions. This variant is present in population databases (no rsID available, gnomAD 0.3%). This sequence change falls in intron 1 of the COL5A2 gene. It does not directly change the encoded amino acid sequence of the COL5A2 protein.